The following is an entry in ClinVar:

ClinVar aggregate classification (germline): Likely benign (1 of 4 stars; one submission).

gnomAD v4.1: 84 of 1,613,032 alleles (0.0052%); highest among the groups gnomAD compares: Non-Finnish European, 0.0062%; no homozygotes.

Submission:

CeGaT Center for Human Genetics Tuebingen
Classification: Likely benign. Last evaluated: 2026-06-01. Review status: criteria provided, single submitter. Criteria: CeGaT Center For Human Genetics Tuebingen Variant Classification Criteria Version 2. Collection method: clinical testing. Allele origin: germline. Affected: yes. Observed: 1 variant allele.
Comment: IRS1: BP4

NM_005544.3(IRS1):c.3382G>A (p.Gly1128Ser)

Gene: IRS1 (insulin receptor substrate 1; minus strand). Cytogenetic location: 2q36.3.
Variant type: single nucleotide variant.
Coding change: c.3382G>A on transcript NM_005544.3 (MANE Select); coding-DNA position 3382, G replaced by A.
Protein change: p.Gly1128Ser; replaces glycine 1128 with serine.
Molecular consequence: missense variant.
Genome position (GRCh38, 1-based): chr2:226,795,357, C>T on the plus strand (G>A on the coding strand, the complement: IRS1 is on the minus strand). VCF-style: chr2-226795357-C-T. GRCh37 (hg19) VCF-style: chr2-227660073-C-T.
Other names: short protein forms G1128S.
Identifiers: ClinVar variation 4872960 (VCV004872960.2).